The following is an entry in ClinVar:

ClinVar aggregate classification (germline): Benign/Likely benign. Review status: criteria provided, multiple submitters, no conflicts (2 of 4 stars). 12 submissions from 12 submitters: Benign (8); Likely benign (1). 3 of the submissions do not count toward it. Last evaluated 2026-02-04.

Conditions:
Autosomal recessive limb-girdle muscular dystrophy type 2C (LGMDR5). Also called: MUSCULAR DYSTROPHY, DUCHENNE-LIKE; MUSCULAR DYSTROPHY, LIMB-GIRDLE, AUTOSOMAL RECESSIVE 5. Identifiers: Orphanet 353, MedGen C0410173, MONDO:0009677, OMIM 253700. Disease mechanism: Affects gamma-sarcoglycan and also disrupts the integrity of the entire sarcoglycan complex..

Allele frequency attached by ClinVar (database versions not stated): ESP Exome Variant Server 0.82108; gnomAD 0.83747 and 0.84304; TOPMed 0.84183; 1000 Genomes Project 30x 0.87071; gnomAD exomes 0.87579; 1000 Genomes Project 0.87780.
gnomAD v4.1: 1,406,367 of 1,611,402 alleles (87%); highest among the groups gnomAD compares: East Asian, 100%; 615,354 homozygotes.

Submissions (12):

Labcorp Genetics (formerly Invitae), Labcorp
Classification: Benign for Autosomal recessive limb-girdle muscular dystrophy type 2C. Last evaluated: 2026-02-04. Review status: criteria provided, single submitter. Criteria: Invitae Variant Classification Sherloc (09022015). Collection method: clinical testing. Allele origin: germline.

Blueprint Genetics
Classification: Likely benign. Last evaluated: 2024-11-27. Review status: criteria provided, single submitter. Criteria: ACMG Guidelines, 2015. Collection method: clinical testing. Allele origin: germline.

ARUP Laboratories, Molecular Genetics and Genomics, ARUP Laboratories
Classification: Benign for Autosomal recessive limb-girdle muscular dystrophy type 2C. Last evaluated: 2023-11-29. Review status: criteria provided, single submitter. Criteria: ARUP Molecular Germline Variant Investigation Process 2024. Collection method: clinical testing. Allele origin: germline.

Women's Health and Genetics/Laboratory Corporation of America, LabCorp
Classification: Benign. Last evaluated: 2021-12-03. Review status: criteria provided, single submitter. Criteria: LabCorp Variant Classification Summary - May 2015. Collection method: clinical testing. Allele origin: germline.

Genome-Nilou Lab
Classification: Benign for Autosomal recessive limb-girdle muscular dystrophy type 2C. Last evaluated: 2021-07-01. Review status: criteria provided, single submitter. Criteria: ACMG Guidelines, 2015. Collection method: clinical testing. Allele origin: germline. Affected: no.

Mendelics
Classification: Benign for Autosomal recessive limb-girdle muscular dystrophy type 2C. Last evaluated: 2019-05-28. Review status: criteria provided, single submitter. Criteria: Mendelics Assertion Criteria 2017. Collection method: clinical testing. Allele origin: unknown.

Laboratory for Molecular Medicine, Mass General Brigham Personalized Medicine
Classification: Benign. Last evaluated: 2014-11-26. Review status: criteria provided, single submitter. Criteria: LMM Criteria. Collection method: clinical testing. Allele origin: germline. Observed: 14 variant alleles.
Comment: This is a RefSeq error. The reference base (c.860A) is the minor allele. This al lele (A) has been identified in 13% (1142/8600) of European American chromosomes and 27% (1185/4406) of African American chromosomes by the NHLBI Exome Sequenci ng Project (dbSNP rs1800354) and thus meets c riteria to be classified as benign.

Eurofins Ntd Llc (ga)
Classification: Benign. Last evaluated: 2013-07-29. Review status: criteria provided, single submitter. Criteria: EGL Classification Definitions 2015. Collection method: clinical testing. Allele origin: germline. Observed: 97 variant alleles, 9 heterozygotes, 88 homozygotes.

Breakthrough Genomics
Classification: Benign. Review status: criteria provided, single submitter. Criteria: ACMG Guidelines, 2015. Collection method: not provided. Allele origin: germline. Inheritance: Autosomal recessive inheritance. Affected: yes.

Natera, Inc.
Classification: Benign for Limb-girdle muscular dystrophy type 2C. Last evaluated: 2019-11-16. Review status: no assertion criteria provided. Collection method: clinical testing. Allele origin: germline. Not counted in ClinVar's aggregate classification.

Clinical Genetics, Academic Medical Center
Classification: Benign. Review status: no assertion criteria provided. Collection method: clinical testing. Allele origin: germline. Affected: yes. Study: VKGL Data-share Consensus. Not counted in ClinVar's aggregate classification.

Diagnostic Laboratory, Department of Genetics, University Medical Center Groningen
Classification: Benign. Review status: no assertion criteria provided. Collection method: clinical testing. Allele origin: germline. Affected: yes. Study: VKGL Data-share Consensus. Not counted in ClinVar's aggregate classification.

NM_000231.3(SGCG):c.860A>G (p.Asn287Ser)

Gene: SGCG (sarcoglycan gamma; plus strand). Cytogenetic location: 13q12.12.
Variant type: single nucleotide variant.
Coding change: c.860A>G on transcript NM_000231.3 (MANE Select); coding-DNA position 860, A replaced by G.
Protein change: p.Asn287Ser; replaces asparagine 287 with serine.
Molecular consequence: missense variant.
Genome position (GRCh38, 1-based): chr13:23,324,525, A>G. VCF-style: chr13-23324525-A-G. GRCh37 (hg19) VCF-style: chr13-23898664-A-G.
Other names: c.860G>G (NM_000231.2); c.914A>G, p.Asn305Ser (NM_001378244.1); c.860A>G, p.Asn287Ser (NM_001378245.1, NM_001378246.1); short protein forms N287S, N305S.
Identifiers: ClinVar variation 167681 (VCV000167681.40), dbSNP rs1800354, ClinGen allele CA180430.
Genomic context (GRCh38, chr13:23,324,525, plus strand): 5'-GTCCAGATGGGAAGCTGTACCTGTCTGTGGCCGGTGTGAGCACCACGTGCCAGGAGCACA[A>G]CCACATCTGCCTCTGAGCTGCCTGCGTCCTCTCGGTGAGCTGTGCAGTGCCGGCCCCAGA-3'
Protein context (NP_000222.2, residues 277-291): AGVSTTCQEH[Asn287Ser]HICL